The following is an entry in ClinVar:

ClinVar aggregate classification (germline): Likely benign (0 of 4 stars; one submission).

Conditions:
RAC2-related disorder. Also called: RAC2-related condition.

Allele frequency attached by ClinVar (database versions not stated): ExAC 0.00001; gnomAD 0.00001.
gnomAD v4.1: 3 of 1,612,426 alleles (0.00019%); highest among the groups gnomAD compares: African/African-American, 0.0013%; no homozygotes.

Submission:

PreventionGenetics, part of Exact Sciences
Classification: Likely benign for RAC2-related condition. Last evaluated: 2019-02-28. Review status: no assertion criteria provided. Collection method: clinical testing. Allele origin: germline.
Comment: This variant is classified as likely benign based on ACMG/AMP sequence variant interpretation guidelines (Richards et al. 2015 PMID: 25741868, with internal and published modifications).

NM_002872.5(RAC2):c.453G>A (p.Ser151=)

Gene: RAC2 (Rac family small GTPase 2; minus strand). Cytogenetic location: 22q13.1.
Variant type: single nucleotide variant.
Coding change: c.453G>A on transcript NM_002872.5 (MANE Select); coding-DNA position 453, G replaced by A.
Protein change: p.Ser151=; no amino-acid change (serine 151 retained).
Molecular consequence: synonymous variant.
Genome position (GRCh38, 1-based): chr22:37,226,799, C>T on the plus strand (G>A on the coding strand, the complement: RAC2 is on the minus strand). VCF-style: chr22-37226799-C-T. GRCh37 (hg19) VCF-style: chr22-37622839-C-T.
Identifiers: ClinVar variation 3047060 (VCV003047060.2), dbSNP rs369270392, ClinGen allele CA10217472.